The following is an entry in ClinVar:

ClinVar aggregate classification (germline): Uncertain significance (1 of 4 stars; one submission).

Conditions:
GRN-related frontotemporal lobar degeneration with Tdp43 inclusions (FTD2). Also called: DEMENTIA, HEREDITARY DYSPHASIC DISINHIBITION; FRONTOTEMPORAL LOBAR DEGENERATION WITH UBIQUITIN-POSITIVE INCLUSIONS; FTLD-TDP, GRN-RELATED; GRN Frontotemporal Dementia; FRONTOTEMPORAL DEMENTIA WITH TDP43 INCLUSIONS, GRN-RELATED. Identifiers: Orphanet 100070, Orphanet 282, MedGen C1843792, MONDO:0011842, OMIM 607485. Disease mechanism: loss of function.
Neuronal ceroid lipofuscinosis 11. Also called: GRN-Related Neuronal Ceroid-Lipofuscinosis. Identifiers: Orphanet 314629, Orphanet 79262, MedGen C3539123, MONDO:0013866, OMIM 614706.

Allele frequency attached by ClinVar (database versions not stated): gnomAD exomes below 0.00001.

Submission:

Labcorp Genetics (formerly Invitae), Labcorp
Classification: Uncertain significance for Neuronal ceroid lipofuscinosis 11; GRN-related frontotemporal lobar degeneration with Tdp43 inclusions. Last evaluated: 2021-08-06. Review status: criteria provided, single submitter. Criteria: Invitae Variant Classification Sherloc (09022015). Collection method: clinical testing. Allele origin: germline.
Comment: This sequence change falls in intron 7 of the GRN gene. It does not directly change the encoded amino acid sequence of the GRN protein. It affects a nucleotide within the consensus splice site of the intron. This variant is not present in population databases (ExAC no frequency). This variant has not been reported in the literature in individuals affected with GRN-related conditions. Variants that disrupts the consensus splice site are a relatively common cause of aberrant splicing (PMID: 17576681, 9536098). Algorithms developed to predict the effect of sequence changes on RNA splicing suggest that this variant may disrupt the consensus splice site. In summary, the available evidence is currently insufficient to determine the role of this variant in disease. Therefore, it has been classified as a Variant of Uncertain Significance.

Literature cited by the submitters: PubMed 17576681; PubMed 9536098.

NM_002087.4(GRN):c.708+2dup

Genes: GRN (granulin precursor; plus strand), LOC125177489 (Sharpr-MPRA regulatory region 15390; plus strand). Cytogenetic location: 17q21.31.
Variant type: Duplication.
Coding change: c.708+2dup on transcript NM_002087.4 (MANE Select); the canonical splice donor site of the intron after coding-DNA position 708, one base duplicated (T; older notation c.708+2dupT).
Molecular consequence: splice donor variant.
Genome position (GRCh38, 1-based): chr17:44,350,802, T duplicated. VCF-style (leftmost placement, unchanged base first): chr17-44350801-G-GT. GRCh37 (hg19) VCF-style: chr17-42428169-G-GT.
Identifiers: ClinVar variation 1472668 (VCV001472668.6), dbSNP rs2143335568, ClinGen allele CA2573153935.